The following is an entry in ClinVar:

NM_001130145.3(YAP1):c.1003C>G (p.Pro335Ala)

Gene: YAP1 (Yes1 associated transcriptional regulator; plus strand). Cytogenetic location: 11q22.1.
Variant type: single nucleotide variant.
Coding change: c.1003C>G on transcript NM_001130145.3 (MANE Select); coding-DNA position 1003, C replaced by G.
Protein change: p.Pro335Ala; replaces proline 335 with alanine.
Molecular consequence: missense variant. On other transcripts: intron variant (4).
Genome position (GRCh38, 1-based): chr11:102,209,535, C>G. VCF-style: chr11-102209535-C-G. GRCh37 (hg19) VCF-style: chr11-102080266-C-G.
Other names: c.469C>G, p.Pro157Ala (NM_001195045.2); c.889C>G, p.Pro297Ala (NM_001282097.2); c.901C>G, p.Pro301Ala (NM_001282099.2); c.1015C>G, p.Pro339Ala (NM_001282101.2); c.996+3449C>G (NM_001282100.2); c.984+3461C>G (NM_001195044.2); c.882+3449C>G (NM_001282098.2); c.870+3461C>G (NM_006106.5); short protein forms P157A, P301A, P335A, P297A, P339A.
Identifiers: ClinVar variation 3711180 (VCV003711180.2).

ClinVar aggregate classification (germline): Uncertain significance (1 of 4 stars; one submission).

gnomAD v4.1: 1 of 1,601,292 alleles (0.000062%); highest among the groups gnomAD compares: Non-Finnish European, 0.000085%; no homozygotes.

Submission:

Labcorp Genetics (formerly Invitae), Labcorp
Classification: Uncertain significance. Last evaluated: 2025-01-27. Review status: criteria provided, single submitter. Criteria: Invitae Variant Classification Sherloc (09022015). Collection method: clinical testing. Allele origin: germline.
Comment: This sequence change replaces proline, which is neutral and non-polar, with alanine, which is neutral and non-polar, at codon 335 of the YAP1 protein (p.Pro335Ala). This variant is present in population databases (rs375480284, gnomAD 0.0009%). This variant has not been reported in the literature in individuals affected with YAP1-related conditions. An algorithm developed to predict the effect of missense changes on protein structure and function (PolyPhen-2) suggests that this variant is likely to be tolerated. In summary, the available evidence is currently insufficient to determine the role of this variant in disease. Therefore, it has been classified as a Variant of Uncertain Significance.